The following is an entry in ClinVar:

NM_001232.4(CASQ2):c.234+111C>G

Gene: CASQ2 (calsequestrin 2; minus strand). Cytogenetic location: 1p13.1.
Variant type: single nucleotide variant.
Coding change: c.234+111C>G on transcript NM_001232.4 (MANE Select); 111 bases into the intron after coding-DNA position 234, C replaced by G.
Molecular consequence: intron variant.
Genome position (GRCh38, 1-based): chr1:115,768,197, G>C on the plus strand (C>G on the coding strand, the complement: CASQ2 is on the minus strand). VCF-style: chr1-115768197-G-C. GRCh37 (hg19) VCF-style: chr1-116310818-G-C.
Identifiers: ClinVar variation 672048 (VCV000672048.2), dbSNP rs4484922, ClinGen allele CA10779669.

ClinVar aggregate classification (germline): Benign. Review status: criteria provided, multiple submitters, no conflicts (2 of 4 stars). 2 submissions from 2 submitters: Benign (2). Last evaluated 2018-06-18.

Allele frequency attached by ClinVar (database versions not stated): gnomAD 0.32879; TOPMed 0.36171; 1000 Genomes Project 30x 0.40100; 1000 Genomes Project 0.40176.
gnomAD v4.1: 247,622 of 786,988 alleles (31%); highest among the groups gnomAD compares: East Asian, 51%; 41,147 homozygotes.

Submissions (2):

GeneDx
Classification: Benign. Last evaluated: 2018-06-18. Review status: criteria provided, single submitter. Criteria: GeneDx Variant Classification (06012015). Collection method: clinical testing. Allele origin: germline. Affected: yes.
Comment: This variant is considered likely benign or benign based on one or more of the following criteria: it is a conservative change, it occurs at a poorly conserved position in the protein, it is predicted to be benign by multiple in silico algorithms, and/or has population frequency not consistent with disease.

Breakthrough Genomics
Classification: Benign. Review status: criteria provided, single submitter. Criteria: ACMG Guidelines, 2015. Collection method: not provided. Allele origin: germline. Inheritance: Autosomal recessive inheritance. Affected: yes.